The following is an entry in ClinVar:

ClinVar aggregate classification (germline): Uncertain significance (1 of 4 stars; one submission).

Conditions:
Cardiovascular phenotype. Identifiers: MedGen CN230736.

gnomAD v4.1: 3 of 1,612,410 alleles (0.00019%); highest among the groups gnomAD compares: East Asian, 0.0067%; no homozygotes.

Submission:

Ambry Genetics
Classification: Uncertain significance for Cardiovascular phenotype. Last evaluated: 2026-05-18. Review status: criteria provided, single submitter. Criteria: Ambry Variant Classification Scheme 2023. Collection method: clinical testing. Allele origin: germline.
Comment: The p.S563T variant (also known as c.1688G>C), located in coding exon 17 of the EYA4 gene, results from a G to C substitution at nucleotide position 1688. The serine at codon 563 is replaced by threonine, an amino acid with similar properties. This amino acid position is conserved. In addition, the in silico prediction for this alteration is inconclusive. Based on the available evidence, the clinical significance of this variant remains unclear.

NM_004100.5(EYA4):c.1688G>C (p.Ser563Thr)

Genes: EYA4 (EYA transcriptional coactivator and phosphatase 4; plus strand), TARID (TCF21 antisense RNA inducing promoter demethylation; minus strand). Cytogenetic location: 6q23.2.
Variant type: single nucleotide variant.
Coding change: c.1688G>C on transcript NM_004100.5 (MANE Select); coding-DNA position 1688, G replaced by C.
Protein change: p.Ser563Thr; replaces serine 563 with threonine.
Molecular consequence: missense variant.
Genome position (GRCh38, 1-based): chr6:133,523,127, G>C. VCF-style: chr6-133523127-G-C. GRCh37 (hg19) VCF-style: chr6-133844265-G-C.
Other names: c.1526G>C, p.Ser509Thr (NM_001301012.2); c.1706G>C, p.Ser569Thr (NM_001301013.2); c.1619G>C, p.Ser540Thr (NM_001370458.1, NM_172103.4); c.1544G>C, p.Ser515Thr (NM_001370459.1); c.1688G>C, p.Ser563Thr (NM_172105.4); short protein forms S509T, S515T, S540T, S563T, S569T.
Identifiers: ClinVar variation 4870721 (VCV004870721.1).